The following is an entry in ClinVar:

NM_001035.3(RYR2):c.103C>G (p.Leu35Val)

Gene: RYR2 (ryanodine receptor 2; plus strand). Cytogenetic location: 1q43.
Variant type: single nucleotide variant.
Coding change: c.103C>G on transcript NM_001035.3 (MANE Select); coding-DNA position 103, C replaced by G.
Protein change: p.Leu35Val; replaces leucine 35 with valine.
Molecular consequence: missense variant.
Genome position (GRCh38, 1-based): chr1:237,270,551, C>G. VCF-style: chr1-237270551-C-G. GRCh37 (hg19) VCF-style: chr1-237433851-C-G.
Other names: short protein forms L35V.
Identifiers: ClinVar variation 843859 (VCV000843859.12), dbSNP rs1689577425, ClinGen allele CA345654379.

ClinVar aggregate classification (germline): Uncertain significance. Review status: criteria provided, multiple submitters, no conflicts (2 of 4 stars). 3 submissions from 3 submitters: Uncertain significance (3). Last evaluated 2023-11-20.

Conditions:
Cardiovascular phenotype. Identifiers: MedGen CN230736.
Catecholaminergic polymorphic ventricular tachycardia (CVPT). Also called: Catecholamine-induced polymorphic ventricular tachycardia. Identifiers: Orphanet 3286, MedGen C5574922, MONDO:0017990.
Catecholaminergic polymorphic ventricular tachycardia 1. Also called: VENTRICULAR TACHYCARDIA, CATECHOLAMINERGIC POLYMORPHIC, 1, WITH OR WITHOUT ATRIAL DYSFUNCTION AND/OR DILATED CARDIOMYOPATHY; VENTRICULAR TACHYCARDIA, STRESS-INDUCED POLYMORPHIC 1; RYR2-Related Catecholaminergic Polymorphic Ventricular Tachycardia. Identifiers: Orphanet 3286, MedGen C1631597, MONDO:0011484, OMIM 604772.

Submissions (3):

All of Us Research Program, National Institutes of Health
Classification: Uncertain significance for Catecholaminergic polymorphic ventricular tachycardia. Last evaluated: 2023-11-20. Review status: criteria provided, single submitter. Criteria: ACMG Guidelines, 2015. Collection method: clinical testing. Allele origin: germline. Inheritance: Autosomal dominant inheritance. Observed: 1 variant allele, 1 heterozygote.
Comment: This missense variant replaces leucine with valine at codon 35 of the RYR2 protein. Computational prediction suggests that this variant may not impact protein structure and function (internally defined REVEL score threshold <= 0.5, PMID: 27666373). To our knowledge, functional studies have not been reported for this variant. This variant has not been reported in individuals affected with RYR2-related disorders in the literature. This variant has not been identified in the general population by the Genome Aggregation Database (gnomAD). The available evidence is insufficient to determine the role of this variant in disease conclusively. Therefore, this variant is classified as a Variant of Uncertain Significance.

This study involves interpretation of variants in research participants for the purpose of population health screening. Participant phenotype was not available at the time of variant classification. Additional details can be found in publication PMID: 35346344, PMCID: PMC8962531

Labcorp Genetics (formerly Invitae), Labcorp
Classification: Uncertain significance for Catecholaminergic polymorphic ventricular tachycardia 1. Last evaluated: 2022-03-09. Review status: criteria provided, single submitter. Criteria: Invitae Variant Classification Sherloc (09022015). Collection method: clinical testing. Allele origin: germline.
Comment: In summary, the available evidence is currently insufficient to determine the role of this variant in disease. Therefore, it has been classified as a Variant of Uncertain Significance. Algorithms developed to predict the effect of sequence changes on RNA splicing suggest that this variant may create or strengthen a splice site. Advanced modeling of protein sequence and biophysical properties (such as structural, functional, and spatial information, amino acid conservation, physicochemical variation, residue mobility, and thermodynamic stability) performed at Invitae indicates that this missense variant is not expected to disrupt RYR2 protein function. ClinVar contains an entry for this variant (Variation ID: 843859). This variant has not been reported in the literature in individuals affected with RYR2-related conditions. This variant is not present in population databases (gnomAD no frequency). This sequence change replaces leucine, which is neutral and non-polar, with valine, which is neutral and non-polar, at codon 35 of the RYR2 protein (p.Leu35Val).

Ambry Genetics
Classification: Uncertain significance for Cardiovascular phenotype. Last evaluated: 2020-11-12. Review status: criteria provided, single submitter. Criteria: Ambry Variant Classification Scheme 2023. Collection method: clinical testing. Allele origin: germline.
Comment: The p.L35V variant (also known as c.103C>G), located in coding exon 2 of the RYR2 gene, results from a C to G substitution at nucleotide position 103. The leucine at codon 35 is replaced by valine, an amino acid with highly similar properties. This amino acid position is well conserved in available vertebrate species. In addition, the in silico prediction for this alteration is inconclusive. Since supporting evidence is limited at this time, the clinical significance of this alteration remains unclear.